The following is an entry in ClinVar:

NM_006019.4(TCIRG1):c.1472T>C (p.Phe491Ser)

Gene: TCIRG1 (T cell immune regulator 1, ATPase H+ transporting V0 subunit a3; plus strand). Cytogenetic location: 11q13.2.
Variant type: single nucleotide variant.
Coding change: c.1472T>C on transcript NM_006019.4 (MANE Select); coding-DNA position 1472, T replaced by C.
Protein change: p.Phe491Ser; replaces phenylalanine 491 with serine.
Molecular consequence: missense variant.
Genome position (GRCh38, 1-based): chr11:68,047,890, T>C. VCF-style: chr11-68047890-T-C. GRCh37 (hg19) VCF-style: chr11-67815357-T-C.
Other names: c.578T>C, p.Phe193Ser (NM_001351059.2); c.824T>C, p.Phe275Ser (NM_006053.4); c.1472T>C (NM_006019.3); short protein forms F193S, F275S, F491S.
Identifiers: ClinVar variation 2151108 (VCV002151108.5), dbSNP rs2495648871, ClinGen allele CA381584440.

ClinVar aggregate classification (germline): Uncertain significance. Review status: criteria provided, single submitter (1 of 4 stars). 2 submissions from 2 submitters: Uncertain significance (1). 1 of the submissions does not count toward it. Last evaluated 2024-01-24.

Conditions:
Autosomal recessive osteopetrosis 1. Also called: TCIRG1-Related Autosomal Recessive Osteopetrosis; TCIRG1-Related Osteopetrosis; ALBERS-SCHONBERG DISEASE, AUTOSOMAL RECESSIVE. Identifiers: Orphanet 667, MedGen C1850127, MONDO:0009815, OMIM 259700.

Submissions (2):

Labcorp Genetics (formerly Invitae), Labcorp
Classification: Uncertain significance. Last evaluated: 2024-01-24. Review status: criteria provided, single submitter. Criteria: Invitae Variant Classification Sherloc (09022015). Collection method: clinical testing. Allele origin: germline.
Comment: This sequence change replaces phenylalanine, which is neutral and non-polar, with serine, which is neutral and polar, at codon 491 of the TCIRG1 protein (p.Phe491Ser). This variant is not present in population databases (gnomAD no frequency). This variant has not been reported in the literature in individuals affected with TCIRG1-related conditions. ClinVar contains an entry for this variant (Variation ID: 2151108). Advanced modeling of protein sequence and biophysical properties (such as structural, functional, and spatial information, amino acid conservation, physicochemical variation, residue mobility, and thermodynamic stability) performed at Invitae indicates that this missense variant is not expected to disrupt TCIRG1 protein function with a negative predictive value of 80%. In summary, the available evidence is currently insufficient to determine the role of this variant in disease. Therefore, it has been classified as a Variant of Uncertain Significance.

Natera, Inc.
Classification: Uncertain significance for Infantile malignant osteopetrosis. Last evaluated: 2025-03-10. Review status: no assertion criteria provided. Collection method: clinical testing. Allele origin: germline. Not counted in ClinVar's aggregate classification.